The following is an entry in ClinVar:

ClinVar aggregate classification (germline): Benign (1 of 4 stars; one submission).

Allele frequency attached by ClinVar (database versions not stated): gnomAD 0.08958; TOPMed 0.09210; 1000 Genomes Project 30x 0.13007; 1000 Genomes Project 0.13538.

Submission:

Unidad de Genómica Garrahan, Hospital de Pediatría Garrahan
Classification: Benign. Last evaluated: 2024-01-24. Review status: criteria provided, single submitter. Criteria: ACMG Guidelines, 2015. Collection method: clinical testing. Allele origin: germline. Affected: no. Observed: 31 variant alleles.
Comment: This variant is classified as Benign based on local population frequency. This variant was detected in 33% of patients studied by a panel of primary immunodeficiencies. Number of patients: 31. Only high quality variants are reported.

NM_018518.5(MCM10):c.2239-76C>T

Gene: MCM10 (minichromosome maintenance 10 replication initiation factor; plus strand). Cytogenetic location: 10p13.
Variant type: single nucleotide variant.
Coding change: c.2239-76C>T on transcript NM_018518.5 (MANE Select); 76 bases into the intron before coding-DNA position 2239, C replaced by T.
Molecular consequence: intron variant.
Genome position (GRCh38, 1-based): chr10:13,201,345, C>T. VCF-style: chr10-13201345-C-T. GRCh37 (hg19) VCF-style: chr10-13243345-C-T.
Other names: c.2242-76C>T (NM_182751.3).
Identifiers: ClinVar variation 2688218 (VCV002688218.2), dbSNP rs1535852, ClinGen allele CA15634272.
Genomic context (GRCh38, chr10:13,201,345, plus strand): 5'-CCTGCCTCTTCCATTCTGTTCTGTTTTGATTATTATCAGCTGAGTCATTTGAATAATCAT[C>T]GAGTTACTCTTACTGTGCTGCCTGAGTGCATACTGGATTTAGTACCAGGTCTTTCATTAT-3'